The following is an entry in ClinVar:

ClinVar aggregate classification (germline): Uncertain significance (1 of 4 stars; one submission).

Submission:

Labcorp Genetics (formerly Invitae), Labcorp
Classification: Uncertain significance. Last evaluated: 2022-04-03. Review status: criteria provided, single submitter. Criteria: Invitae Variant Classification Sherloc (09022015). Collection method: clinical testing. Allele origin: germline.
Comment: This sequence change replaces proline, which is neutral and non-polar, with alanine, which is neutral and non-polar, at codon 326 of the POLE protein (p.Pro326Ala). This variant is not present in population databases (gnomAD no frequency). This variant has not been reported in the literature in individuals affected with POLE-related conditions. ClinVar contains an entry for this variant (Variation ID: 573485). Algorithms developed to predict the effect of missense changes on protein structure and function are either unavailable or do not agree on the potential impact of this missense change (SIFT: "Tolerated"; PolyPhen-2: "Possibly Damaging"; Align-GVGD: "Class C0"). In summary, the available evidence is currently insufficient to determine the role of this variant in disease. Therefore, it has been classified as a Variant of Uncertain Significance.

NM_006231.4(POLE):c.976C>G (p.Pro326Ala)

Gene: POLE (DNA polymerase epsilon, catalytic subunit; minus strand). Cytogenetic location: 12q24.33.
Variant type: single nucleotide variant.
Coding change: c.976C>G on transcript NM_006231.4 (MANE Select); coding-DNA position 976, C replaced by G.
Protein change: p.Pro326Ala; replaces proline 326 with alanine.
Molecular consequence: missense variant.
Genome position (GRCh38, 1-based): chr12:132,676,138, G>C on the plus strand (C>G on the coding strand, the complement: POLE is on the minus strand). VCF-style: chr12-132676138-G-C. GRCh37 (hg19) VCF-style: chr12-133252724-G-C.
Other names: short protein forms P326A.
Identifiers: ClinVar variation 573485 (VCV000573485.8), dbSNP rs1565976104, ClinGen allele CA387363663.